The following is an entry in ClinVar:

ClinVar aggregate classification (germline): Uncertain significance (1 of 4 stars; one submission).

Allele frequency attached by ClinVar (database versions not stated): gnomAD exomes below 0.00001; gnomAD 0.00001; TOPMed 0.00001.
gnomAD v4.1: 4 of 1,613,716 alleles (0.00025%); highest among the groups gnomAD compares: Non-Finnish European, 0.00034%; no homozygotes.

Submission:

Labcorp Genetics (formerly Invitae), Labcorp
Classification: Uncertain significance. Last evaluated: 2020-12-08. Review status: criteria provided, single submitter. Criteria: Invitae Variant Classification Sherloc (09022015). Collection method: clinical testing. Allele origin: germline.
Comment: This variant is not present in population databases (ExAC no frequency). In summary, the available evidence is currently insufficient to determine the role of this variant in disease. Therefore, it has been classified as a Variant of Uncertain Significance. Algorithms developed to predict the effect of missense changes on protein structure and function (SIFT, PolyPhen-2, Align-GVGD) all suggest that this variant is likely to be tolerated, but these predictions have not been confirmed by published functional studies and their clinical significance is uncertain. This variant has not been reported in the literature in individuals with RIMS1-related conditions. This sequence change replaces valine with isoleucine at codon 1347 of the RIMS1 protein (p.Val1347Ile). The valine residue is highly conserved and there is a small physicochemical difference between valine and isoleucine.

NM_014989.7(RIMS1):c.4039G>A (p.Val1347Ile)

Gene: RIMS1 (regulating synaptic membrane exocytosis 1; plus strand). Cytogenetic location: 6q13.
Variant type: single nucleotide variant.
Coding change: c.4039G>A on transcript NM_014989.7 (MANE Select); coding-DNA position 4039, G replaced by A.
Protein change: p.Val1347Ile; replaces valine 1347 with isoleucine.
Molecular consequence: missense variant. On other transcripts: intron variant (24).
Genome position (GRCh38, 1-based): chr6:72,313,581, G>A. VCF-style: chr6-72313581-G-A. GRCh37 (hg19) VCF-style: chr6-73023284-G-A.
Other names: c.1999G>A, p.Val667Ile (NM_001168407.2); c.1960G>A, p.Val654Ile (NM_001350414.2); c.2083G>A, p.Val695Ile (NM_001350415.2); c.2032G>A, p.Val678Ile (NM_001350416.2); c.2005G>A, p.Val669Ile (NM_001350418.2); c.2113G>A, p.Val705Ile (NM_001350420.2); c.1858G>A, p.Val620Ile (NM_001350421.2); c.1774G>A, p.Val592Ile (NM_001350423.2, NM_001350444.2); and 51 more; short protein forms V511I, V562I, V586I, V587I, V620I, V621I, V653I, V667I.
Identifiers: ClinVar variation 1460494 (VCV001460494.8), dbSNP rs942946408, ClinGen allele CA140885480.
Genomic context (GRCh38, chr6:72,313,581, plus strand): 5'-GATCAGTACAGAAGCTGTGATAACGTCTCTGCCAAATCATCAGATAGTGATGTCAGTGAT[G>A]TTTCCGCCATTTCCCGAACCAGCAGTGCCTCACGCCTCAGCAGCACAAGCTTTATGTCAG-3'
Protein context (NP_055804.2, residues 1337-1357): AKSSDSDVSD[Val1347Ile]SAISRTSSAS